The following is an entry in ClinVar:

NM_018979.4(WNK1):c.4538C>G (p.Thr1513Ser)

Gene: WNK1 (WNK lysine deficient protein kinase 1; plus strand). Cytogenetic location: 12p13.33.
Variant type: single nucleotide variant.
Coding change: c.4538C>G on transcript NM_018979.4 (MANE Select); coding-DNA position 4538, C replaced by G.
Protein change: p.Thr1513Ser; replaces threonine 1513 with serine.
Molecular consequence: missense variant.
Genome position (GRCh38, 1-based): chr12:885,342, C>G. VCF-style: chr12-885342-C-G. GRCh37 (hg19) VCF-style: chr12-994508-C-G.
Other names: c.5318C>G, p.Thr1773Ser (NM_001184985.2); c.3797C>G, p.Thr1266Ser (NM_014823.3); c.5294C>G, p.Thr1765Ser (NM_213655.5); short protein forms T1266S, T1513S, T1765S, T1773S.
Identifiers: ClinVar variation 3750384 (VCV003750384.2).
Genomic context (GRCh38, chr12:885,342, plus strand): 5'-CTACCACCACTTCATTCCCAAGCACAGCTTCACAGCTGTGCATTCAGCTTAGCAGCAGTA[C>G]TTCTACTCCTACTTTAGCTGAAACCGTGGTAGTTAGCGCACACTCACTAGATAAGACATC-3'
Protein context (NP_061852.3, residues 1503-1523): SQLCIQLSSS[Thr1513Ser]STPTLAETVV

ClinVar aggregate classification (germline): Uncertain significance (1 of 4 stars; one submission).

Conditions:
Neuropathy, hereditary sensory and autonomic, type 2A (HSAN2A). Also called: ACROOSTEOLYSIS, GIACCAI TYPE; ACROOSTEOLYSIS, NEUROGENIC; MORVAN DISEASE; NEUROPATHY, CONGENITAL SENSORY; NEUROPATHY, HEREDITARY SENSORY RADICULAR, AUTOSOMAL RECESSIVE; NEUROPATHY, HEREDITARY SENSORY, TYPE IIA. Identifiers: Orphanet 970, MedGen C2752089, MONDO:0024309, OMIM 201300.
Pseudohypoaldosteronism type 2C (PHA2C). Also called: Pseudohypoaldosteronism Type IIC. Identifiers: Orphanet 757, Orphanet 88940, MedGen C1840391, MONDO:0013778, OMIM 614492.

Submission:

Labcorp Genetics (formerly Invitae), Labcorp
Classification: Uncertain significance for Neuropathy, hereditary sensory and autonomic, type 2A; Pseudohypoaldosteronism type 2C. Last evaluated: 2024-03-27. Review status: criteria provided, single submitter. Criteria: Invitae Variant Classification Sherloc (09022015). Collection method: clinical testing. Allele origin: germline.
Comment: This sequence change replaces threonine, which is neutral and polar, with serine, which is neutral and polar, at codon 1765 of the WNK1 protein (p.Thr1765Ser). This variant is not present in population databases (gnomAD no frequency). This variant has not been reported in the literature in individuals affected with WNK1-related conditions. Advanced modeling of protein sequence and biophysical properties (such as structural, functional, and spatial information, amino acid conservation, physicochemical variation, residue mobility, and thermodynamic stability) performed at Invitae indicates that this missense variant is not expected to disrupt WNK1 protein function with a negative predictive value of 95%. In summary, the available evidence is currently insufficient to determine the role of this variant in disease. Therefore, it has been classified as a Variant of Uncertain Significance.